The following is an entry in ClinVar:

ClinVar aggregate classification (germline): Pathogenic/Likely pathogenic. Review status: criteria provided, multiple submitters, no conflicts (2 of 4 stars). 2 submissions from 2 submitters: Pathogenic (1); Likely pathogenic (1). Last evaluated 2023-02-16.

Conditions:
Methylcobalamin deficiency type cblE (HMAE). Also called: HOMOCYSTINURIA-MEGALOBLASTIC ANEMIA, cblE COMPLEMENTATION TYPE; HOMOCYSTINURIA-MEGALOBLASTIC ANEMIA, cblE TYPE; VITAMIN B12-RESPONSIVE HOMOCYSTINURIA, cblE TYPE. Identifiers: Orphanet 2169, Orphanet 622, MedGen C1856057, MONDO:0009354, OMIM 236270.
Neural tube defects, folate-sensitive (NTDFS). Also called: NTD, FOLATE-SENSITIVE. Identifiers: Orphanet 823, MedGen C1866558, MONDO:0011120, OMIM 601634.

Allele frequency attached by ClinVar (database versions not stated): TOPMed below 0.00001.

Submissions (2):

Baylor Genetics
Classification: Likely pathogenic for Neural tube defects, folate-sensitive. Last evaluated: 2023-02-16. Review status: criteria provided, single submitter. Criteria: ACMG Guidelines, 2015. Collection method: clinical testing. Allele origin: unknown.

Labcorp Genetics (formerly Invitae), Labcorp
Classification: Pathogenic for Methylcobalamin deficiency type cblE. Last evaluated: 2022-01-29. Review status: criteria provided, single submitter. Criteria: Invitae Variant Classification Sherloc (09022015). Collection method: clinical testing. Allele origin: germline.
Comment: This variant is not present in population databases (gnomAD no frequency). This sequence change creates a premature translational stop signal (p.Ser458*) in the MTRR gene. It is expected to result in an absent or disrupted protein product. Loss-of-function variants in MTRR are known to be pathogenic (PMID: 15714522). This variant has not been reported in the literature in individuals affected with MTRR-related conditions. For these reasons, this variant has been classified as Pathogenic.

Literature cited by the submitters: PubMed 15714522 (cited by Labcorp Genetics (formerly Invitae), Labcorp).

NM_002454.3(MTRR):c.1373C>G (p.Ser458Ter)

Gene: MTRR (5-methyltetrahydrofolate-homocysteine methyltransferase reductase; plus strand). Cytogenetic location: 5p15.31.
Variant type: single nucleotide variant.
Coding change: c.1373C>G on transcript NM_002454.3 (MANE Select); coding-DNA position 1373, C replaced by G.
Protein change: p.Ser458Ter; replaces serine 458 with a stop codon.
Molecular consequence: nonsense. On other transcripts: non-coding transcript variant (14).
Genome position (GRCh38, 1-based): chr5:7,892,729, C>G. VCF-style: chr5-7892729-C-G. GRCh37 (hg19) VCF-style: chr5-7892842-C-G.
Other names: c.1373C>G, p.Ser458Ter (NM_001364440.2, NM_001364441.2, NM_001364442.2 and 1 more transcripts); short protein forms S458*.
Identifiers: ClinVar variation 2091091 (VCV002091091.5), dbSNP rs1737818730, ClinGen allele CA359158787.
Genomic context (GRCh38, chr5:7,892,729, plus strand): 5'-ACCCATATGTGTAGTAGTACTGATATCGAGTTCAAAACTTGTCTGTGTATCTTTGCAGCT[C>G]AAGTTTATTTCACCCAGGAAAGCTCCATTTTGTCTTCAACATTGTGGAATTTCTGTCTAC-3'